The following is an entry in ClinVar:

NM_033120.4(NKD2):c.590G>A (p.Arg197His)

Gene: NKD2 (NKD inhibitor of Wnt signaling pathway 2; plus strand). Cytogenetic location: 5p15.33.
Variant type: single nucleotide variant.
Coding change: c.590G>A on transcript NM_033120.4 (MANE Select); coding-DNA position 590, G replaced by A.
Protein change: p.Arg197His; replaces arginine 197 with histidine.
Molecular consequence: missense variant.
Genome position (GRCh38, 1-based): chr5:1,035,404, G>A. VCF-style: chr5-1035404-G-A. GRCh37 (hg19) VCF-style: chr5-1035519-G-A.
Other names: c.590G>A, p.Arg197His (NM_001271082.2); short protein forms R197H.
Identifiers: ClinVar variation 778317 (VCV000778317.28), dbSNP rs137977762, ClinGen allele CA3180486.

ClinVar aggregate classification (germline): Benign/Likely benign. Review status: criteria provided, multiple submitters, no conflicts (2 of 4 stars). 3 submissions from 3 submitters: Benign (2); Likely benign (1). Last evaluated 2022-12-01.

Allele frequency attached by ClinVar (database versions not stated): 1000 Genomes Project 30x 0.00078; 1000 Genomes Project 0.00100; ESP Exome Variant Server 0.00147; TOPMed 0.00183; ExAC 0.00282; gnomAD 0.00360 and 0.00376; gnomAD exomes 0.00392.

Submissions (3):

CeGaT Center for Human Genetics Tuebingen
Classification: Likely benign. Last evaluated: 2022-12-01. Review status: criteria provided, single submitter. Criteria: CeGaT Center For Human Genetics Tuebingen Variant Classification Criteria Version 2. Collection method: clinical testing. Allele origin: germline. Affected: yes. Observed: 1 variant allele.
Comment: NKD2: BS2

Labcorp Genetics (formerly Invitae), Labcorp
Classification: Benign. Last evaluated: 2018-06-28. Review status: criteria provided, single submitter. Criteria: Invitae Variant Classification Sherloc (09022015). Collection method: clinical testing. Allele origin: germline.

Breakthrough Genomics
Classification: Benign. Review status: criteria provided, single submitter. Criteria: ACMG Guidelines, 2015. Collection method: not provided. Allele origin: germline. Inheritance: Unknown mechanism. Affected: yes.